The following is an entry in ClinVar:

ClinVar aggregate classification (germline): Uncertain significance. Review status: criteria provided, multiple submitters, no conflicts (2 of 4 stars). 2 submissions from 2 submitters: Uncertain significance (2). Last evaluated 2025-08-11.

Conditions:
Inborn genetic diseases. Identifiers: MedGen C0950123, MeSH D030342.

Allele frequency attached by ClinVar (database versions not stated): TOPMed 0.00004; gnomAD 0.00006; ExAC 0.00010; 1000 Genomes Project 30x 0.00016; 1000 Genomes Project 0.00020.
gnomAD v4.1: 92 of 1,614,240 alleles (0.0057%); highest among the groups gnomAD compares: Admixed American, 0.01%; no homozygotes.

Submissions (2):

Ambry Genetics
Classification: Uncertain significance for Inborn genetic diseases. Last evaluated: 2025-08-11. Review status: criteria provided, single submitter. Criteria: Ambry Variant Classification Scheme 2023. Collection method: clinical testing. Allele origin: germline.

Labcorp Genetics (formerly Invitae), Labcorp
Classification: Uncertain significance. Last evaluated: 2022-08-13. Review status: criteria provided, single submitter. Criteria: Invitae Variant Classification Sherloc (09022015). Collection method: clinical testing. Allele origin: germline.
Comment: This sequence change replaces aspartic acid, which is acidic and polar, with glycine, which is neutral and non-polar, at codon 75 of the MGME1 protein (p.Asp75Gly). This variant is present in population databases (rs199845050, gnomAD 0.02%). This variant has not been reported in the literature in individuals affected with MGME1-related conditions. Algorithms developed to predict the effect of missense changes on protein structure and function are either unavailable or do not agree on the potential impact of this missense change (SIFT: "Deleterious"; PolyPhen-2: "Probably Damaging"; Align-GVGD: "Class C0"). Algorithms developed to predict the effect of sequence changes on RNA splicing suggest that this variant may create or strengthen a splice site. In summary, the available evidence is currently insufficient to determine the role of this variant in disease. Therefore, it has been classified as a Variant of Uncertain Significance.

NM_052865.4(MGME1):c.224A>G (p.Asp75Gly)

Genes: MGME1 (mitochondrial genome maintenance exonuclease 1; plus strand), LOC126862983 (CDK7 strongly-dependent group 2 enhancer GRCh37_chr20:17950167-17951366; plus strand). Cytogenetic location: 20p11.23.
Variant type: single nucleotide variant.
Coding change: c.224A>G on transcript NM_052865.4 (MANE Select); coding-DNA position 224, A replaced by G.
Protein change: p.Asp75Gly; replaces aspartic acid 75 with glycine.
Molecular consequence: missense variant.
Genome position (GRCh38, 1-based): chr20:17,970,083, A>G. VCF-style: chr20-17970083-A-G. GRCh37 (hg19) VCF-style: chr20-17950726-A-G.
Other names: c.224A>G, p.Asp75Gly (NM_001310338.2, NM_001310339.2, NM_001363738.2); c.224A>G (NM_052865.2); short protein forms D75G.
Identifiers: ClinVar variation 2185004 (VCV002185004.2), dbSNP rs199845050, ClinGen allele CA9774899.